The following is an entry in ClinVar:

ClinVar aggregate classification (germline): Uncertain significance (1 of 4 stars; one submission).

Allele frequency attached by ClinVar (database versions not stated): gnomAD exomes below 0.00001.
gnomAD v4.1: 1 of 1,606,904 alleles (0.000062%); highest among the groups gnomAD compares: Non-Finnish European, 0.000085%; no homozygotes.

Submission:

GeneDx
Classification: Uncertain significance. Last evaluated: 2022-07-28. Review status: criteria provided, single submitter. Criteria: GeneDx Variant Classification Process June 2021. Collection method: clinical testing. Allele origin: germline. Affected: yes.
Comment: Not observed at significant frequency in large population cohorts (gnomAD); In silico analysis supports a deleterious effect on splicing; Has not been previously published as pathogenic or benign to our knowledge

NM_004218.4(RAB11B):c.236+5G>A

Gene: RAB11B (RAB11B, member RAS oncogene family; plus strand). Cytogenetic location: 19p13.2.
Variant type: single nucleotide variant.
Coding change: c.236+5G>A on transcript NM_004218.4 (MANE Select); 5 bases into the intron after coding-DNA position 236, G replaced by A.
Molecular consequence: intron variant.
Genome position (GRCh38, 1-based): chr19:8,400,063, G>A. VCF-style: chr19-8400063-G-A. GRCh37 (hg19) VCF-style: chr19-8464947-G-A.
Identifiers: ClinVar variation 2412942 (VCV002412942.3), dbSNP rs2145511585, ClinGen allele CA2576605622.